The following is an entry in ClinVar:

ClinVar aggregate classification (germline): Benign (0 of 4 stars; one submission).

Conditions:
KIAA0825-related disorder. Also called: KIAA0825-related condition.

Allele frequency attached by ClinVar (database versions not stated): 1000 Genomes Project 0.00839; 1000 Genomes Project 30x 0.00874; TOPMed 0.01310; gnomAD 0.01339; ESP Exome Variant Server 0.01577; ExAC 0.01661; gnomAD exomes 0.01730.
gnomAD v4.1: 26,251 of 1,551,666 alleles (1.7%); highest among the groups gnomAD compares: Middle Eastern, 2.1%; 242 homozygotes.

Submission:

PreventionGenetics, part of Exact Sciences
Classification: Benign for KIAA0825-related condition. Last evaluated: 2019-11-06. Review status: no assertion criteria provided. Collection method: clinical testing. Allele origin: germline.
Comment: This variant is classified as benign based on ACMG/AMP sequence variant interpretation guidelines (Richards et al. 2015 PMID: 25741868, with internal and published modifications).

NM_001145678.3(KIAA0825):c.1977A>G (p.Leu659=)

Genes: KIAA0825 (KIAA0825; minus strand), LOC126807453 (BRD4-independent group 4 enhancer GRCh37_chr5:93800512-93801711; plus strand). Cytogenetic location: 5q15.
Variant type: single nucleotide variant.
Coding change: c.1977A>G on transcript NM_001145678.3 (MANE Select); coding-DNA position 1977, A replaced by G.
Protein change: p.Leu659=; no amino-acid change (leucine 659 retained).
Molecular consequence: synonymous variant. On other transcripts: non-coding transcript variant (1).
Genome position (GRCh38, 1-based): chr5:94,464,955, T>C on the plus strand (A>G on the coding strand, the complement: KIAA0825 is on the minus strand). VCF-style: chr5-94464955-T-C. GRCh37 (hg19) VCF-style: chr5-93800660-T-C.
Other names: c.1977A>G, p.Leu659= (NM_001385712.1, NM_001385713.1, NM_001388325.1).
Identifiers: ClinVar variation 3037527 (VCV003037527.2), dbSNP rs17379264, ClinGen allele CA3344112.